The following is an entry in ClinVar:

ClinVar aggregate classification (germline): Uncertain significance (1 of 4 stars; one submission).

Conditions:
Bardet-Biedl syndrome 12 (BBS12). Identifiers: Orphanet 110, MedGen C1859570, MONDO:0014440, OMIM 615989.

Submission:

Myriad Genetics, Inc.
Classification: Uncertain significance for Bardet-Biedl syndrome 12. Last evaluated: 2026-05-12. Review status: criteria provided, single submitter. Criteria: Myriad Autosomal Dominant, Autosomal Recessive and X-Linked Classification Criteria (2023). Collection method: clinical testing. Allele origin: unknown.
Comment: NM_152618.2(BBS12):c.1896_1898delTTC(S634del) is an in-frame deletion classified as a variant of uncertain significance in the context of Bardet-Biedl syndrome, BBS12-related. S634del has not been observed in cases with relevant disease. Relevant functional assessments of this variant are not available in the literature. S634del has not been observed in referenced population frequency databases. In summary, there is insufficient evidence to classify NM_152618.2(BBS12):c.1896_1898delTTC(S634del) as pathogenic or benign. Please note: this variant was assessed in the context of healthy population screening.

NM_152618.3(BBS12):c.1896_1898del (p.Ser634del)

Gene: BBS12 (Bardet-Biedl syndrome 12; plus strand). Cytogenetic location: 4q27.
Variant type: Deletion.
Coding change: c.1896_1898del on transcript NM_152618.3 (MANE Select); coding-DNA positions 1896 to 1898, 3 bases deleted (TTC; older notation c.1896_1898delTTC).
Protein change: p.Ser634del; deletes serine 634.
Molecular consequence: inframe deletion.
Genome position (GRCh38, 1-based): chr4:122,743,788-122,743,790, TTC deleted; deleting any 3 consecutive bases within chr4:122,743,787-122,743,790 gives the same sequence; the c. name uses the placement nearest the transcript's 3' end. VCF-style (leftmost placement, unchanged base first): chr4-122743786-CCTT-C. GRCh37 (hg19) VCF-style: chr4-123664941-CCTT-C.
Other names: c.1896_1898del, p.Ser634del (NM_001178007.2); short protein forms S634del.
Identifiers: ClinVar variation 5004665 (VCV005004665.1).